The following is an entry in ClinVar:

NM_004523.4(KIF11):c.2160+5G>A

Gene: KIF11 (kinesin family member 11; plus strand). Cytogenetic location: 10q23.33.
Variant type: single nucleotide variant.
Coding change: c.2160+5G>A on transcript NM_004523.4 (MANE Select); 5 bases into the intron after coding-DNA position 2160, G replaced by A.
Molecular consequence: intron variant.
Genome position (GRCh38, 1-based): chr10:92,637,550, G>A. VCF-style: chr10-92637550-G-A. GRCh37 (hg19) VCF-style: chr10-94397307-G-A.
Identifiers: ClinVar variation 1961840 (VCV001961840.6), dbSNP rs989824359, ClinGen allele CA211514015.

ClinVar aggregate classification (germline): Uncertain significance. Review status: criteria provided, multiple submitters, no conflicts (2 of 4 stars). 2 submissions from 2 submitters: Uncertain significance (2). Last evaluated 2023-08-11.

Conditions:
Microcephaly with or without chorioretinopathy, lymphedema, or impaired intellectual development. Also called: Microcephaly lymphedema chorioretinal dysplasia; Microcephaly with or without chorioretinopathy, lymphedema, or mental retardation; Microcephaly with or without chorioretinopathy, lymphedema, or intellectual disability; MICROCEPHALY AND CHORIORETINOPATHY WITH OR WITHOUT MENTAL RETARDATION, AUTOSOMAL DOMINANT; MICROCEPHALY, LYMPHEDEMA, CHORIORETINAL DYSPLASIA SYNDROME. Identifiers: Orphanet 2526, MedGen C1835265, MONDO:0007918, OMIM 152950.

Allele frequency attached by ClinVar (database versions not stated): TOPMed below 0.00001; gnomAD exomes below 0.00001.
gnomAD v4.1: 2 of 1,598,080 alleles (0.00013%); highest among the groups gnomAD compares: Non-Finnish European, 0.00017%; no homozygotes.

Submissions (2):

Clinical Genomics Laboratory, Washington University in St. Louis
Classification: Uncertain significance for Microcephaly with or without chorioretinopathy, lymphedema, or impaired intellectual development. Last evaluated: 2023-08-11. Review status: criteria provided, single submitter. Criteria: ACMG Guidelines, 2015. Collection method: clinical testing. Allele origin: germline.
Comment: The KIF11 c.2160+5G>A variant, to our knowledge, has not been reported in the medical literature. This variant is listed in the ClinVar database as being of uncertain significance by one submitter (ClinVar ID 1961840). KIF11 c.2160+5G>A is absent from the general population (gnomAD v.2.1.1), indicating it is not a common variant. Computational predictors indicate that the variant has no impact on splicing, evidence that this variant does not have a damaging effect on KIF11 protein function. Due to limited information, and based on ACMG/AMP guidelines for variant interpretation (Richards S et al., PMID: 25741868), this variant is classified as being of uncertain clinical significance at this time.

Labcorp Genetics (formerly Invitae), Labcorp
Classification: Uncertain significance. Last evaluated: 2022-08-22. Review status: criteria provided, single submitter. Criteria: Invitae Variant Classification Sherloc (09022015). Collection method: clinical testing. Allele origin: germline.
Comment: This variant is present in population databases (no rsID available, gnomAD 0.0009%). In summary, the available evidence is currently insufficient to determine the role of this variant in disease. Therefore, it has been classified as a Variant of Uncertain Significance. Variants that disrupt the consensus splice site are a relatively common cause of aberrant splicing (PMID: 17576681, 9536098). Algorithms developed to predict the effect of sequence changes on RNA splicing suggest that this variant is not likely to affect RNA splicing. This variant has not been reported in the literature in individuals affected with KIF11-related conditions. This sequence change falls in intron 16 of the KIF11 gene. It does not directly change the encoded amino acid sequence of the KIF11 protein. It affects a nucleotide within the consensus splice site.

Literature cited by the submitters: PubMed 17576681 (cited by Labcorp Genetics (formerly Invitae), Labcorp); PubMed 9536098 (cited by Labcorp Genetics (formerly Invitae), Labcorp).